The following is an entry in ClinVar:

NM_004380.3(CREBBP):c.3128C>T (p.Ser1043Leu)

Gene: CREBBP (CREB binding lysine acetyltransferase; minus strand). Cytogenetic location: 16p13.3.
Variant type: single nucleotide variant.
Coding change: c.3128C>T on transcript NM_004380.3 (MANE Select); coding-DNA position 3128, C replaced by T.
Protein change: p.Ser1043Leu; replaces serine 1043 with leucine.
Molecular consequence: missense variant.
Genome position (GRCh38, 1-based): chr16:3,767,842, G>A on the plus strand (C>T on the coding strand, the complement: CREBBP is on the minus strand). VCF-style: chr16-3767842-G-A. GRCh37 (hg19) VCF-style: chr16-3817843-G-A.
Other names: c.3014C>T, p.Ser1005Leu (NM_001079846.1); short protein forms S1043L, S1005L.
Identifiers: ClinVar variation 95042 (VCV000095042.22), dbSNP rs61731376, ClinGen allele CA148119.

ClinVar aggregate classification (germline): Benign/Likely benign. Review status: criteria provided, multiple submitters, no conflicts (2 of 4 stars). 7 submissions from 7 submitters: Benign (5); Likely benign (1). 1 of the submissions does not count toward it. Last evaluated 2026-02-03.

Conditions:
Rubinstein-Taybi syndrome (RSTS). Identifiers: Orphanet 783, MedGen C0035934, MONDO:0019188.
Menke-Hennekam syndrome 1 (MKHK1). Identifiers: MedGen C5193034, MONDO:0020763, OMIM 618332.
Rubinstein-Taybi syndrome due to CREBBP mutations (RSTS1). Also called: RUBINSTEIN-TAYBI SYNDROME 1, INCOMPLETE; RUBINSTEIN SYNDROME; CREBBP-Related Rubinstein-Taybi Syndrome; BROAD THUMB-HALLUX SYNDROME; Rubinstein-Taybi syndrome 1; BROAD THUMBS AND GREAT TOES, CHARACTERISTIC FACIES, AND IMPAIRED INTELLECTUAL DEVELOPMENT. Identifiers: Orphanet 353277, Orphanet 783, MedGen C4551859, MONDO:0008393, OMIM 180849.
Inborn genetic diseases. Identifiers: MedGen C0950123, MeSH D030342.

Allele frequency attached by ClinVar (database versions not stated): gnomAD 0.01088 and 0.01003; 1000 Genomes Project 30x 0.01093; ESP Exome Variant Server 0.01131; gnomAD exomes 0.00267 and 0.00094; ExAC 0.00312; 1000 Genomes Project 0.00998; TOPMed 0.01214.
gnomAD v4.1: 2,967 of 1,614,122 alleles (0.18%); highest among the groups gnomAD compares: African/African-American, 3.4%; 39 homozygotes.

Submissions (7):

Labcorp Genetics (formerly Invitae), Labcorp
Classification: Benign for Rubinstein-Taybi syndrome. Last evaluated: 2026-02-03. Review status: criteria provided, single submitter. Criteria: Invitae Variant Classification Sherloc (09022015). Collection method: clinical testing. Allele origin: germline.

Fulgent Genetics
Classification: Likely benign for Rubinstein-Taybi syndrome due to CREBBP mutations; Menke-Hennekam syndrome 1. Last evaluated: 2022-04-21. Review status: criteria provided, single submitter. Criteria: ACMG Guidelines, 2015. Collection method: clinical testing. Allele origin: unknown.

GeneDx
Classification: Benign. Last evaluated: 2018-08-21. Review status: criteria provided, single submitter. Criteria: GeneDx Variant Classification Process June 2021. Collection method: clinical testing. Allele origin: germline. Affected: yes.

Ambry Genetics
Classification: Benign for Inborn genetic diseases. Last evaluated: 2016-04-18. Review status: criteria provided, single submitter. Criteria: Ambry Variant Classification Scheme 2023. Collection method: clinical testing. Allele origin: germline.

Eurofins Ntd Llc (ga)
Classification: Benign. Last evaluated: 2013-03-18. Review status: criteria provided, single submitter. Criteria: EGL Classification Definitions 2015. Collection method: clinical testing. Allele origin: germline. Observed: 2 variant alleles, 2 heterozygotes.

Breakthrough Genomics
Classification: Benign. Review status: criteria provided, single submitter. Criteria: ACMG Guidelines, 2015. Collection method: not provided. Allele origin: germline. Inheritance: Autosomal dominant inheritance. Affected: yes.

ITMI
No classification provided. Condition: AllHighlyPenetrant. Last evaluated: 2013-09-19. Review status: no classification provided. Collection method: reference population. Allele origin: germline. Not counted in ClinVar's aggregate classification.
Comment: Please see associated publication for description of ethnicities

Literature cited by the submitters: PubMed 24728327 (cited by ITMI).